The following is an entry in ClinVar:

NM_001009944.3(PKD1):c.8506T>A (p.Phe2836Ile)

Gene: PKD1 (polycystin 1, transient receptor potential channel interacting; minus strand). Cytogenetic location: 16p13.3.
Variant type: single nucleotide variant.
Coding change: c.8506T>A on transcript NM_001009944.3 (MANE Select); coding-DNA position 8506, T replaced by A.
Protein change: p.Phe2836Ile; replaces phenylalanine 2836 with isoleucine.
Molecular consequence: missense variant.
Genome position (GRCh38, 1-based): chr16:2,103,551, A>T on the plus strand (T>A on the coding strand, the complement: PKD1 is on the minus strand). VCF-style: chr16-2103551-A-T. GRCh37 (hg19) VCF-style: chr16-2153552-A-T.
Other names: c.8506T>A, p.Phe2836Ile (NM_000296.4); short protein forms F2836I.
Identifiers: ClinVar variation 2663374 (VCV002663374.1), dbSNP rs780161620, ClinGen allele CA394363593.

ClinVar aggregate classification (germline): Uncertain significance (1 of 4 stars; one submission).

gnomAD v4.1: 1 of 1,609,580 alleles (0.000062%); highest among the groups gnomAD compares: East Asian, 0.0022%; no homozygotes.

Submission:

GeneDx
Classification: Uncertain significance. Last evaluated: 2023-04-27. Review status: criteria provided, single submitter. Criteria: GeneDx Variant Classification Process June 2021. Collection method: clinical testing. Allele origin: germline. Affected: yes.
Comment: Not observed at significant frequency in large population cohorts (gnomAD); In silico analysis supports that this missense variant has a deleterious effect on protein structure/function; Has not been previously published as pathogenic or benign to our knowledge